The following is an entry in ClinVar:

ClinVar aggregate classification (germline): Pathogenic (1 of 4 stars; one submission).

Conditions:
Ellis-van Creveld syndrome (EVC). Also called: EVC-Related Ellis-van Creveld Syndrome; EVC2-Related Ellis-van Creveld Syndrome; MESOECTODERMAL DYSPLASIA; Chondroectodermal dysplasia. Identifiers: Orphanet 289, MedGen C0013903, MONDO:0009162, OMIM 225500.
Curry-Hall syndrome (WAD). Also called: WEYERS ACRODENTAL DYSOSTOSIS. Identifiers: Orphanet 952, MedGen C0457013, MONDO:0008673, OMIM 193530.

Submission:

Labcorp Genetics (formerly Invitae), Labcorp
Classification: Pathogenic for Curry-Hall syndrome; Ellis-van Creveld syndrome. Last evaluated: 2026-01-24. Review status: criteria provided, single submitter. Criteria: Invitae Variant Classification Sherloc (09022015). Collection method: clinical testing. Allele origin: germline.
Comment: This sequence change creates a premature translational stop signal (p.Glu794Glyfs*20) in the EVC2 gene. It is expected to result in an absent or disrupted protein product. Loss-of-function variants in EVC2 are known to be pathogenic (PMID: 17024374, 19810119, 19876929). This variant is not present in population databases (gnomAD no frequency). This premature translational stop signal has been observed in individual(s) with Ellis-van Creveld syndrome (PMID: 38531627). For these reasons, this variant has been classified as Pathogenic.

Literature cited by the submitters: PubMed 17024374; PubMed 19810119; PubMed 19876929; PubMed 38531627.

NM_147127.5(EVC2):c.2380dup (p.Glu794fs)

Gene: EVC2 (EvC ciliary complex subunit 2; minus strand). Cytogenetic location: 4p16.2.
Variant type: Duplication.
Coding change: c.2380dup on transcript NM_147127.5 (MANE Select); coding-DNA position 2380, one base duplicated (G; older notation c.2380dupG).
Protein change: p.Glu794fs; shifts the reading frame from glutamic acid 794.
Molecular consequence: frameshift variant.
Genome position (GRCh38, 1-based): chr4:5,622,658, C duplicated on the plus strand (G on the coding strand, the reverse complement: EVC2 is on the minus strand); the first of 5 consecutive C bases (chr4:5,622,658-5,622,662); duplicating any one gives the same sequence. VCF-style (leftmost placement, unchanged base first): chr4-5622657-T-TC. GRCh37 (hg19) VCF-style: chr4-5624384-T-TC.
Other names: c.2140dup, p.Glu714fs (NM_001166136.2); short protein forms E714fs, E794fs.
Identifiers: ClinVar variation 4791958 (VCV004791958.1).